The following is an entry in ClinVar:

NM_001848.3(COL6A1):c.859-2A>G

Gene: COL6A1 (collagen type VI alpha 1 chain; plus strand). Cytogenetic location: 21q22.3.
Variant type: single nucleotide variant.
Coding change: c.859-2A>G on transcript NM_001848.3 (MANE Select); the canonical splice acceptor site of the intron before coding-DNA position 859, A replaced by G.
Molecular consequence: splice acceptor variant.
Genome position (GRCh38, 1-based): chr21:45,989,606, A>G. VCF-style: chr21-45989606-A-G. GRCh37 (hg19) VCF-style: chr21-47409520-A-G.
Identifiers: ClinVar variation 2910472 (VCV002910472.3), dbSNP rs2526321732, ClinGen allele CA410521707.

ClinVar aggregate classification (germline): Pathogenic (1 of 4 stars; one submission).

Conditions:
Bethlem myopathy 1A. Also called: MYOPATHY, BENIGN CONGENITAL, WITH CONTRACTURES; Bethlem myopathy 1; Bethlem Muscular Dystrophy. Identifiers: Orphanet 610, MedGen CN029274, MONDO:0024530, OMIM 158810.

Submission:

Labcorp Genetics (formerly Invitae), Labcorp
Classification: Pathogenic for Bethlem myopathy 1A. Last evaluated: 2023-06-21. Review status: criteria provided, single submitter. Criteria: Invitae Variant Classification Sherloc (09022015). Collection method: clinical testing. Allele origin: germline.
Comment: This sequence change affects an acceptor splice site in intron 9 of the COL6A1 gene. It is expected to disrupt RNA splicing. Variants that disrupt the donor or acceptor splice site typically lead to a loss of protein function (PMID: 16199547), and loss-of-function variants in COL6A1 are known to be disease-causing for autosomal recessive COL6A1 conditions (PMID: 21280092, 20976770). However, certain variants affecting donor or acceptor splice sites in the triple helical domain of COL6A1 are expected to result in in-frame exon skipping and have been reported to cause autosomal dominant COL6A1-related conditions (PMID: 18366090). This variant is not present in population databases (gnomAD no frequency). Disruption of this splice site has been observed in individual(s) with autosomal dominant Ullrich congenital muscular dystrophy (PMID: 29406609). In at least one individual the variant was observed to be de novo. Algorithms developed to predict the effect of sequence changes on RNA splicing suggest that this variant may disrupt the consensus splice site. This variant disrupts the triple helix domain of COL6A1. Glycine residues within the Gly-Xaa-Yaa repeats of the triple helix domain are required for the structure and stability of fibrillar collagens (PMID: 7695699, 8218237, 19344236). In COL6A1, variants at these glycine residues are significantly enriched in individuals with autosomal dominant disease (PMID: 15689448, 24038877) compared to the general population (ExAC). For these reasons, this variant has been classified as Pathogenic.

Literature cited by the submitters: PubMed 16199547; PubMed 21280092; PubMed 20976770; PubMed 18366090; PubMed 29406609; PubMed 7695699; PubMed 8218237; PubMed 19344236; PubMed 15689448; PubMed 24038877.